The following is an entry in ClinVar:

ClinVar aggregate classification (germline): Uncertain significance (1 of 4 stars; one submission).

Allele frequency attached by ClinVar (database versions not stated): gnomAD 0.00009; TOPMed 0.00013; ESP Exome Variant Server 0.00015; 1000 Genomes Project 0.00040; 1000 Genomes Project 30x 0.00047; gnomAD exomes 0.00001 and 0.00005; ExAC 0.00005.
gnomAD v4.1: 23 of 1,614,082 alleles (0.0014%); highest among the groups gnomAD compares: African/African-American, 0.02%; no homozygotes.

Submission:

Labcorp Genetics (formerly Invitae), Labcorp
Classification: Uncertain significance. Last evaluated: 2019-12-31. Review status: criteria provided, single submitter. Criteria: Invitae Variant Classification Sherloc (09022015). Collection method: clinical testing. Allele origin: germline.
Comment: In summary, the available evidence is currently insufficient to determine the role of this variant in disease. Therefore, it has been classified as a Variant of Uncertain Significance. Algorithms developed to predict the effect of missense changes on protein structure and function (SIFT, PolyPhen-2, Align-GVGD) all suggest that this variant is likely to be tolerated, but these predictions have not been confirmed by published functional studies and their clinical significance is uncertain. This variant has not been reported in the literature in individuals with ANLN-related conditions. This variant is present in population databases (rs138329355, ExAC 0.04%). This sequence change replaces serine with asparagine at codon 392 of the ANLN protein (p.Ser392Asn). The serine residue is weakly conserved and there is a small physicochemical difference between serine and asparagine.

NM_018685.5(ANLN):c.1175G>A (p.Ser392Asn)

Gene: ANLN (anillin, actin binding protein; plus strand). Cytogenetic location: 7p14.2.
Variant type: single nucleotide variant.
Coding change: c.1175G>A on transcript NM_018685.5 (MANE Select); coding-DNA position 1175, G replaced by A.
Protein change: p.Ser392Asn; replaces serine 392 with asparagine.
Molecular consequence: missense variant.
Genome position (GRCh38, 1-based): chr7:36,410,592, G>A. VCF-style: chr7-36410592-G-A. GRCh37 (hg19) VCF-style: chr7-36450201-G-A.
Other names: c.1175G>A, p.Ser392Asn (NM_001284301.3, NM_001284302.3); short protein forms S392N.
Identifiers: ClinVar variation 843928 (VCV000843928.10), dbSNP rs138329355, ClinGen allele CA4219525.